The following is an entry in ClinVar:

ClinVar aggregate classification (germline): Pathogenic. Review status: criteria provided, single submitter (1 of 4 stars). 2 submissions from 2 submitters: Pathogenic (1). 1 of the submissions does not count toward it. Last evaluated 2022-12-27.

Conditions:
Baraitser-Winter syndrome 1 (BRWS1). Also called: BARAITSER-WINTER SYNDROME 1, ATYPICAL; MENTAL RETARDATION WITH EPILEPSY AND CHARACTERISTIC FACIES; PACHYGYRIA, MENTAL RETARDATION, EPILEPSY, AND CHARACTERISTIC FACIES; Cerebrofrontofacial syndrome. Identifiers: Orphanet 2649, Orphanet 2995, MedGen C1855722, MONDO:0009470, OMIM 243310.

Submissions (2):

GeneDx
Classification: Pathogenic. Last evaluated: 2022-12-27. Review status: criteria provided, single submitter. Criteria: GeneDx Variant Classification Process June 2021. Collection method: clinical testing. Allele origin: germline. Affected: yes.
Comment: Frameshift variant predicted to result in protein truncation or nonsense mediated decay in a gene for which loss of function is a known mechanism of disease; Not observed at significant frequency in large population cohorts (gnomAD); This variant is associated with the following publications: (PMID: 35599849, 29220674)

OMIM
Classification: Pathogenic for BARAITSER-WINTER SYNDROME 1. Last evaluated: 2018-03-08. Review status: no assertion criteria provided. Collection method: literature only. Allele origin: germline. Not counted in ClinVar's aggregate classification.

Literature cited by the submitters: PubMed 29220674 (cited by OMIM).

NM_001101.5(ACTB):c.329del (p.Leu110fs)

Gene: ACTB (actin beta; minus strand). Cytogenetic location: 7p22.1.
Variant type: Deletion.
Coding change: c.329del on transcript NM_001101.5 (MANE Select); coding-DNA position 329, one base deleted (T; older notation c.329delT).
Protein change: p.Leu110fs; shifts the reading frame from leucine 110.
Molecular consequence: frameshift variant.
Genome position (GRCh38, 1-based): chr7:5,529,195, A deleted on the plus strand (T on the coding strand, the reverse complement: ACTB is on the minus strand). VCF-style (leftmost placement, unchanged base first): chr7-5529194-CA-C. GRCh37 (hg19) VCF-style: chr7-5568825-CA-C.
Other names: c.329delT (NM_001101.3); c.329del (NM_001101.3, LRG_132t1); short protein forms L110fs.
Identifiers: ClinVar variation 495296 (VCV000495296.2), dbSNP rs1554329523, ClinGen allele CA658683478.